The following is an entry in ClinVar:

ClinVar aggregate classification (germline): Conflicting classifications of pathogenicity. Review status: criteria provided, conflicting classifications (1 of 4 stars). 2 submissions from 2 submitters: Likely pathogenic (1); Uncertain significance (1). Last evaluated 2026-02-24.

Conditions:
Inborn genetic diseases. Identifiers: MedGen C0950123, MeSH D030342.

Allele frequency attached by ClinVar (database versions not stated): TOPMed below 0.00001; gnomAD exomes below 0.00001.
gnomAD v4.1: 5 of 1,609,452 alleles (0.00031%); highest among the groups gnomAD compares: Non-Finnish European, 0.00043%; no homozygotes.

Submissions (2):

GeneDx
Classification: Uncertain significance. Last evaluated: 2026-02-24. Review status: criteria provided, single submitter. Criteria: GeneDx Variant Classification Process June 2021. Collection method: clinical testing. Allele origin: germline.
Comment: Not observed at significant frequency in large population cohorts (gnomAD); In silico analysis supports that this missense variant has a deleterious effect on protein structure/function; Has not been previously published as pathogenic or benign to our knowledge; This variant is associated with the following publications: (PMID: 27389779, 25961944, 27334371, 25555806, 25363768, 25262651, 25533962, 22604720, 16179223, 24163370, 34047014)

Ambry Genetics
Classification: Likely pathogenic for Inborn genetic diseases. Last evaluated: 2017-08-22. Review status: criteria provided, single submitter. Criteria: Ambry exome assertion method (8-5-2015). Collection method: clinical testing. Allele origin: germline. Affected: yes. Observed: 1 variant allele.

Literature cited by the submitters: PubMed 27389779 (cited by Ambry Genetics); PubMed 27334371 (cited by Ambry Genetics).

NM_001348768.2(HECW2):c.3989G>A (p.Arg1330Gln)

Gene: HECW2 (HECT, C2 and WW domain containing E3 ubiquitin protein ligase 2; minus strand). Cytogenetic location: 2q32.3.
Variant type: single nucleotide variant.
Coding change: c.3989G>A on transcript NM_001348768.2 (MANE Select); coding-DNA position 3989, G replaced by A.
Protein change: p.Arg1330Gln; replaces arginine 1330 with glutamine.
Molecular consequence: missense variant.
Genome position (GRCh38, 1-based): chr2:196,225,799, C>T on the plus strand (G>A on the coding strand, the complement: HECW2 is on the minus strand). VCF-style: chr2-196225799-C-T. GRCh37 (hg19) VCF-style: chr2-197090523-C-T.
Other names: c.2921G>A, p.Arg974Gln (NM_001304840.3); c.3989G>A, p.Arg1330Gln (NM_020760.4); short protein forms R1330Q, R974Q.
Identifiers: ClinVar variation 522012 (VCV000522012.5), dbSNP rs1553633403, ClinGen allele CA349949665.